The following is an entry in ClinVar:

NM_138501.6(TECR):c.660C>T (p.Pro220=)

Gene: TECR (trans-2,3-enoyl-CoA reductase; plus strand). Cytogenetic location: 19p13.12.
Variant type: single nucleotide variant.
Coding change: c.660C>T on transcript NM_138501.6 (MANE Select); coding-DNA position 660, C replaced by T.
Protein change: p.Pro220=; no amino-acid change (proline 220 retained).
Molecular consequence: synonymous variant. On other transcripts: non-coding transcript variant (2).
Genome position (GRCh38, 1-based): chr19:14,565,119, C>T. VCF-style: chr19-14565119-C-T. GRCh37 (hg19) VCF-style: chr19-14675931-C-T.
Other names: c.705C>T, p.Pro235= (NM_001321170.1).
Identifiers: ClinVar variation 5041559 (VCV005041559.1).

ClinVar aggregate classification (germline): Likely benign (1 of 4 stars; one submission).

gnomAD v4.1: 8 of 1,613,686 alleles (0.0005%); highest among the groups gnomAD compares: Admixed American, 0.012%; no homozygotes.

Submission:

CeGaT Center for Human Genetics Tuebingen
Classification: Likely benign. Last evaluated: 2026-09-01. Review status: criteria provided, single submitter. Criteria: CeGaT Center For Human Genetics Tuebingen Variant Classification Criteria Version 2. Collection method: clinical testing. Allele origin: germline. Affected: yes. Observed: 1 variant allele.
Comment: TECR: BP4, BP7